The following is an entry in ClinVar:

NC_012920.1(MT-CO1):m.6978G>A

Gene: MT-CO1 (mitochondrially encoded cytochrome c oxidase I; plus strand).
Variant type: single nucleotide variant.
Genome position: chrM-6978-G-A.
Identifiers: ClinVar variation 692689 (VCV000692689.1), dbSNP rs28451817, ClinGen allele CA337097533.
Genomic context (GRCh38, chrMT:6,978, plus strand): 5'-CTCTGAGCCCTAGGATTCATCTTTCTTTTCACCGTAGGTGGCCTGACTGGCATTGTATTA[G>A]CAAACTCATCACTAGACATCGTACTACACGACACGTACTACGTTGTAGCCCACTTCCACT-3'

ClinVar aggregate classification (germline): Uncertain significance (1 of 4 stars; one submission).

Conditions:
Leigh syndrome (NULS). Also called: Leigh's necrotizing encephalopathy; Leigh's disease; Leigh Syndrome (mtDNA deletion); Leigh Disease; Subacute necrotizing encephalopathy; Necrotizing encephalopathy infantile subacute of Leigh. Identifiers: Orphanet 506, MedGen C2931891, MONDO:0009723, OMIM 256000.

Submission:

Wong Mito Lab, Molecular and Human Genetics, Baylor College of Medicine
Classification: Uncertain significance for Leigh syndrome. Last evaluated: 2019-10-17. Review status: criteria provided, single submitter. Criteria: Modified ACMG Guidelines (Unpublished). Collection method: clinical testing. Allele origin: germline.
Comment: The NC_012920.1:m.6978G>A (YP_003024028.1:p.Ala359Thr) variant in MTCO1 gene is interpretated to be a Uncertain Significance variant based on the modified ACMG guidelines (unpublished). This variant meets the following evidence codes: PP3, PP7